The following is an entry in ClinVar:

NM_001270974.2(HYDIN):c.11441A>G (p.Glu3814Gly)

Gene: HYDIN (HYDIN axonemal central pair apparatus protein; minus strand). Cytogenetic location: 16q22.2.
Variant type: single nucleotide variant.
Coding change: c.11441A>G on transcript NM_001270974.2 (MANE Select); coding-DNA position 11441, A replaced by G.
Protein change: p.Glu3814Gly; replaces glutamic acid 3814 with glycine.
Molecular consequence: missense variant.
Genome position (GRCh38, 1-based): chr16:70,866,199, T>C on the plus strand (A>G on the coding strand, the complement: HYDIN is on the minus strand). VCF-style: chr16-70866199-T-C. GRCh37 (hg19) VCF-style: chr16-70900102-T-C.
Other names: short protein forms E3814G.
Identifiers: ClinVar variation 5038553 (VCV005038553.1).

ClinVar aggregate classification (germline): Likely benign (1 of 4 stars; one submission).

Submission:

CeGaT Center for Human Genetics Tuebingen
Classification: Likely benign. Last evaluated: 2026-08-01. Review status: criteria provided, single submitter. Criteria: CeGaT Center For Human Genetics Tuebingen Variant Classification Criteria Version 2. Collection method: clinical testing. Allele origin: germline. Affected: yes. Observed: 1 variant allele.
Comment: HYDIN: BP4